The following is an entry in ClinVar:

NM_000179.3(MSH6):c.663A>C (p.Glu221Asp)

Gene: MSH6 (mutS homolog 6; plus strand). Cytogenetic location: 2p16.3.
Variant type: single nucleotide variant.
Coding change: c.663A>C on transcript NM_000179.3 (MANE Select); coding-DNA position 663, A replaced by C.
Protein change: p.Glu221Asp; replaces glutamic acid 221 with aspartic acid.
Molecular consequence: missense variant. On other transcripts: 5 prime UTR variant (2).
Genome position (GRCh38, 1-based): chr2:47,798,646, A>C. VCF-style: chr2-47798646-A-C. GRCh37 (hg19) VCF-style: chr2-48025785-A-C.
Other names: p.E221D:GAA>GAC; c.273A>C, p.Glu91Asp (NM_001281492.2); c.-244A>C (NM_001281493.2, NM_001281494.2); short protein forms E221D, E91D.
Identifiers: ClinVar variation 89552 (VCV000089552.96), dbSNP rs41557217, ClinGen allele CA016186.

ClinVar aggregate classification (germline): Conflicting classifications of pathogenicity. Review status: criteria provided, conflicting classifications (1 of 4 stars). 31 submissions from 31 submitters: Uncertain significance (3); Benign (7); Likely benign (16). 5 of the submissions do not count toward it. Last evaluated 2026-09-01.

Conditions:
Abnormality of the ovary. Identifiers: MedGen C4021818, MONDO:0005558, HP:0000137.
Inherited ovarian cancer (without breast cancer).
Inherited MMR deficiency (Lynch syndrome).
Hereditary nonpolyposis colorectal neoplasms. Identifiers: MedGen C0009405, MeSH D003123.
Hereditary cancer. Identifiers: MedGen C1333600.
Breast and/or ovarian cancer. Identifiers: MedGen CN221562.
Hereditary cancer-predisposing syndrome. Also called: Neoplastic Syndromes, Hereditary; Tumor predisposition; Hereditary Cancer Syndrome; Hereditary neoplastic syndrome. Identifiers: Orphanet 140162, MedGen C0027672, MeSH D009386, MONDO:0015356.
Carcinoma of colon (CRC). Also called: Colon carcinoma; Colonic carcinoma. Identifiers: MedGen C0699790, MONDO:0002032.
Lynch syndrome 5 (LYNCH5). Also called: Colorectal cancer, hereditary nonpolyposis, type 5; Hereditary non-polyposis colorectal cancer, type 5. Identifiers: Orphanet 144, MedGen C1833477, MONDO:0013710, OMIM 614350. Disease mechanism: loss of function.

Allele frequency attached by ClinVar (database versions not stated): ExAC 0.00063; gnomAD 0.00063 and 0.00064; TOPMed 0.00065; gnomAD exomes 0.00071 and 0.00077; ESP Exome Variant Server 0.00085.
gnomAD v4.1: 1,206 of 1,612,862 alleles (0.075%); highest among the groups gnomAD compares: South Asian, 0.12%; 1 homozygote.

Submissions 1 to 24 of 31:

CeGaT Center for Human Genetics Tuebingen
Classification: Likely benign. Last evaluated: 2026-09-01. Review status: criteria provided, single submitter. Criteria: CeGaT Center For Human Genetics Tuebingen Variant Classification Criteria Version 2. Collection method: clinical testing. Allele origin: germline. Affected: yes. Observed: 16 variant alleles.
Comment: MSH6: BP1, BP4, BP5

Cambridge Genomics Laboratory, East Genomic Laboratory Hub, NHS Genomic Medicine Service
Classification: Likely benign for Inherited ovarian cancer (without breast cancer). Last evaluated: 2026-06-15. Review status: criteria provided, single submitter. Criteria: ACGS Best Practice Guidelines for Variant Classification in Rare Disease 2020. Collection method: clinical testing. Allele origin: germline. Affected: yes.
Comment: BS1_Strong,BP4

Labcorp Genetics (formerly Invitae), Labcorp
Classification: Benign for Hereditary nonpolyposis colorectal neoplasms. Last evaluated: 2026-02-04. Review status: criteria provided, single submitter. Criteria: Invitae Variant Classification Sherloc (09022015). Collection method: clinical testing. Allele origin: germline.

Genomics and Molecular Medicine Service, East Genomic Laboratory Hub, NHS Genomic Medicine Service
Classification: Likely benign for Inherited MMR deficiency (Lynch syndrome). Last evaluated: 2026-01-22. Review status: criteria provided, single submitter. Criteria: ACGS Best Practice Guidelines for Variant Classification in Rare Disease 2020. Collection method: clinical testing. Allele origin: germline. Affected: yes.
Comment: the same text as in the submission from Cambridge Genomics Laboratory, East Genomic Laboratory Hub, NHS Genomic Medicine Service above.

Praxis Für Humangenetik, Biosciencia MVZ Labor Saar
Classification: Likely benign for Hereditary cancer-predisposing syndrome. Last evaluated: 2025-11-11. Review status: criteria provided, single submitter. Criteria: ACMG Guidelines, 2015. Collection method: clinical testing. Allele origin: germline.
Comment: BP1 BP4

Dasa
Classification: Benign. Last evaluated: 2025-04-22. Review status: criteria provided, single submitter. Criteria: DASA Assertion Criteria. Collection method: clinical testing. Allele origin: germline.
Comment: NM_000179.3(MSH6):c.663A>C (p.Glu221Asp) is a missense variant that results in the substitution of glutamic acid with aspartic acid. Population frequency is inconsistent with a disease-causing role for this variant. Therefore, based on the currently available evidence, this variant is classified as benign.

Center for Genomic Medicine, Rigshospitalet, Copenhagen University Hospital
Classification: Likely benign. Last evaluated: 2025-03-04. Review status: criteria provided, single submitter. Criteria: ACMG Guidelines, 2015. Collection method: clinical testing. Allele origin: germline.

Quest Diagnostics Nichols Institute San Juan Capistrano
Classification: Benign. Last evaluated: 2025-02-25. Review status: criteria provided, single submitter. Criteria: Quest Diagnostics criteria. Collection method: clinical testing. Allele origin: unknown.

Laboratory of Genetics, Children's Clinical University Hospital Latvia
Classification: Likely benign. Last evaluated: 2025-02-16. Review status: criteria provided, single submitter. Criteria: ACMG Guidelines, 2015. Collection method: clinical testing. Allele origin: germline. Affected: yes.

Myriad Genetics, Inc.
Classification: Benign for Lynch syndrome 5. Last evaluated: 2024-12-19. Review status: criteria provided, single submitter. Criteria: Myriad Autosomal Dominant, Autosomal Recessive and X-Linked Classification Criteria (2023). Collection method: clinical testing. Allele origin: unknown.
Comment: This variant is considered benign. This variant has been observed in trans with a known pathogenic variant in one or more individuals lacking clinical features consistent with gene-specific recessive disease. This variant has been observed at a population frequency that is significantly greater than expected given the associated disease prevalence and penetrance.

Blueprint Genetics
Classification: Likely benign. Last evaluated: 2024-11-25. Review status: criteria provided, single submitter. Criteria: ACMG Guidelines, 2015. Collection method: clinical testing. Allele origin: germline.

Institute for Biomarker Research, Medical Diagnostic Laboratories, L.L.C.
Classification: Benign for Hereditary cancer-predisposing syndrome. Last evaluated: 2024-11-20. Review status: criteria provided, single submitter. Criteria: ACMG Guidelines, 2015. Collection method: clinical testing. Allele origin: germline.
Comment: The p.Glu221Asp variant is not predicted to introduce a novel splice site by any splice site algorithm. The p.Glu221Asp missense variant is predicted to be tolerated by both SIFT or PolyPhen2. The aspartic acid residue at codon 221 of MSH6 is present in Prairie vole and 2 other mammalian species. The nucleotide c.663 in MSH6 is not conserved according to a GERP++ and PhyloP analysis of 100 vertebrates. For these reasons, this variant has been classified as Benign.

Color Diagnostics, LLC DBA Color Health
Classification: Likely benign for Hereditary cancer-predisposing syndrome. Last evaluated: 2024-10-09. Review status: criteria provided, single submitter. Criteria: ACMG Guidelines, 2015. Collection method: clinical testing. Allele origin: germline.

ARUP Laboratories, Molecular Genetics and Genomics, ARUP Laboratories
Classification: Likely benign. Last evaluated: 2024-07-08. Review status: criteria provided, single submitter. Criteria: ARUP Molecular Germline Variant Investigation Process 2024. Collection method: clinical testing. Allele origin: germline.

Mendelics
Classification: Likely benign for Hereditary cancer. Last evaluated: 2024-01-23. Review status: criteria provided, single submitter. Criteria: ACMG Guidelines, 2015. Collection method: clinical testing. Allele origin: unknown.

CHEO Genetics Diagnostic Laboratory, Children's Hospital of Eastern Ontario
Classification: Likely benign for Breast and/or ovarian cancer. Last evaluated: 2023-05-17. Review status: criteria provided, single submitter. Criteria: ACMG Guidelines, 2015. Collection method: clinical testing. Allele origin: germline.

Institute for Clinical Genetics, University Hospital TU Dresden, University Hospital TU Dresden
Classification: Uncertain significance. Last evaluated: 2021-11-03. Review status: criteria provided, single submitter. Criteria: ACMG Guidelines, 2015. Collection method: clinical testing. Allele origin: germline.

Sema4
Classification: Likely benign for Hereditary cancer-predisposing syndrome. Last evaluated: 2021-06-24. Review status: criteria provided, single submitter. Criteria: Sema4 Curation Guidelines. Collection method: curation. Allele origin: germline.

GeneDx
Classification: Likely benign. Last evaluated: 2021-04-16. Review status: criteria provided, single submitter. Criteria: GeneDx Variant Classification Process June 2021. Collection method: clinical testing. Allele origin: germline. Affected: yes.
Comment: This variant is associated with the following publications: (PMID: 27153395, 28767289, 17453009, 18269114, 24728327, 23621914, 26300997, 22290698, 21153778, 23047549, 26898890, 26333163, 17344846, 28531214, 28481244, 28874130, 29575718, 18301448, 31159747, 32854451)

Genetic Services Laboratory, University of Chicago
Classification: Likely benign. Last evaluated: 2021-01-15. Review status: criteria provided, single submitter. Criteria: ACMG Guidelines, 2015. Collection method: clinical testing. Allele origin: germline. Affected: no.

Illumina Laboratory Services, Illumina
Classification: Uncertain significance for Lynch syndrome 5. Last evaluated: 2019-05-01. Review status: criteria provided, single submitter. Criteria: ICSL Variant Classification Criteria 13 December 2019. Collection method: clinical testing. Allele origin: germline.
Comment: This variant was observed as part of a predisposition screen in an ostensibly healthy population. A literature search was performed for the gene, cDNA change, and amino acid change (where applicable). Publications were found based on this search. However, the evidence from the literature, in combination with allele frequency data from public databases where available, was not sufficient to rule this variant in or out of causing disease. Therefore, this variant is classified as a variant of unknown significance.

GeneKor MSA
Classification: Likely benign for Hereditary cancer-predisposing syndrome. Last evaluated: 2018-08-01. Review status: criteria provided, single submitter. Criteria: ACMG Guidelines, 2015. Collection method: clinical testing. Allele origin: germline. Affected: yes.

PreventionGenetics, part of Exact Sciences
Classification: Likely benign. Last evaluated: 2017-10-12. Review status: criteria provided, single submitter. Criteria: ACMG Guidelines, 2015. Collection method: clinical testing. Allele origin: germline.

Center for Human Genetics, Inc
Classification: Uncertain significance for Lynch syndrome 5. Last evaluated: 2016-11-01. Review status: criteria provided, single submitter. Criteria: ACMG Guidelines, 2015. Collection method: clinical testing. Allele origin: germline. Affected: yes.